The following is an entry in ClinVar:

NM_000261.2(MYOC):c.1111T>C (p.Tyr371His)

Gene: MYOC (myocilin; minus strand). Cytogenetic location: 1q24.3.
Variant type: single nucleotide variant.
Coding change: c.1111T>C on transcript NM_000261.2 (MANE Select); coding-DNA position 1111, T replaced by C.
Protein change: p.Tyr371His; replaces tyrosine 371 with histidine.
Molecular consequence: missense variant.
Genome position (GRCh38, 1-based): chr1:171,636,329, A>G on the plus strand (T>C on the coding strand, the complement: MYOC is on the minus strand). VCF-style: chr1-171636329-A-G. GRCh37 (hg19) VCF-style: chr1-171605469-A-G.
Other names: NM_000261.2(MYOC):c.1111T>C; p.Tyr371His; short protein forms Y371H.
Identifiers: ClinVar variation 242274 (VCV000242274.4), dbSNP rs878854408, ClinGen allele CA10583955.

ClinVar aggregate classification (germline): Uncertain significance. Review status: reviewed by expert panel (3 of 4 stars). 2 submissions from 2 submitters: Uncertain significance (1). 1 of the submissions does not count toward it. Last evaluated 2025-12-03.

Conditions:
Open-angle glaucoma. Identifiers: MedGen C0017612, MONDO:0005338, HP:0012108.
Primary open angle glaucoma (POAG). Also called: OPTN-related open angle glaucoma. Identifiers: MedGen C0339573, MONDO:0100553, OMIM 137760.

Submissions (2):

ClinGen Glaucoma Variant Curation Expert Panel
Classification: Uncertain significance for Open-angle glaucoma. Last evaluated: 2025-12-03. Review status: reviewed by expert panel. Criteria: ClinGen Glaucoma ACMG Specifications V2.0.0 Approved. Collection method: curation. Allele origin: germline. Inheritance: Autosomal dominant inheritance.
Comment: The c.1111T>C variant in MYOC is a missense variant predicted to cause substitution of Tyrosine by Histidine at amino acid 371 (p.Tyr371His). This variant was not found in any genetic ancestry group of gnomAD (v4.1.0), meeting the ≤ 0.0001 threshold set for PM2_Supporting in a genetic ancestry group of at least 10,000 alleles. The REVEL score = 0.875, which was within the 0.773-0.931 range for PP3_Moderate, predicting a damaging effect on MYOC function. There was no functional evidence predicting a damaging or benign impact of this variant on MYOC function. Only 2 segregations had been reported for juvenile open angle glaucoma (JOAG, Teruya et al, 2008), not meeting the ≥ 3 segregations required for PP1. Only 1 proband with JOAG had been reported (Teruya et al, 2008), not meeting the ≥ 2 probands threshold required to meet PS4_Supporting. In summary, this variant met the criteria to receive a score of 3 and to be classified as a variant of uncertain significance (uncertain significance classification range -1 to 5, adapted from PMID: 32720330) for juvenile open angle glaucoma based on the ACMG/AMP criteria met, as specified by the ClinGen Glaucoma VCEP (v2.0.0, 5 Dec 2024): PP3_Moderate, PM2_Supporting

Centro de Genética y Biología Molecular, Universidad de San Martín de Porres
Classification: Pathogenic for Primary open angle glaucoma. Last evaluated: 2008-09-01. Review status: no assertion criteria provided. Collection method: research. Allele origin: germline. Inheritance: Autosomal dominant inheritance. Affected: yes. Observed: 6 variant alleles. Not counted in ClinVar's aggregate classification.